The following is an entry in ClinVar:

NM_005076.5(CNTN2):c.22A>T (p.Lys8Ter)

Gene: CNTN2 (contactin 2; plus strand). Cytogenetic location: 1q32.1.
Variant type: single nucleotide variant.
Coding change: c.22A>T on transcript NM_005076.5 (MANE Select); coding-DNA position 22, A replaced by T.
Protein change: p.Lys8Ter; replaces lysine 8 with a stop codon.
Molecular consequence: nonsense. On other transcripts: non-coding transcript variant (1).
Genome position (GRCh38, 1-based): chr1:205,053,207, A>T. VCF-style: chr1-205053207-A-T. GRCh37 (hg19) VCF-style: chr1-205022335-A-T.
Other names: c.22A>T, p.Lys8Ter (NM_001346083.2); short protein forms K8*.
Identifiers: ClinVar variation 4736591 (VCV004736591.1).

ClinVar aggregate classification (germline): Pathogenic (1 of 4 stars; one submission).

Conditions:
Epilepsy, familial adult myoclonic, 5 (EPEO5). Also called: CORTICAL MYOCLONIC TREMOR WITH EPILEPSY, FAMILIAL, 5. Identifiers: Orphanet 86814, MedGen C3809374, MONDO:0014167, OMIM 615400.

Submission:

Labcorp Genetics (formerly Invitae), Labcorp
Classification: Pathogenic for Epilepsy, familial adult myoclonic, 5. Last evaluated: 2026-02-03. Review status: criteria provided, single submitter. Criteria: Invitae Variant Classification Sherloc (09022015). Collection method: clinical testing. Allele origin: germline.
Comment: This sequence change creates a premature translational stop signal (p.Lys8*) in the CNTN2 gene. It is expected to result in an absent or disrupted protein product. Loss-of-function variants in CNTN2 are known to be pathogenic (PMID: 11178983, 23518707). This variant is not present in population databases (gnomAD no frequency). This variant has not been reported in the literature in individuals affected with CNTN2-related conditions. For these reasons, this variant has been classified as Pathogenic.

Literature cited by the submitters: PubMed 11178983; PubMed 23518707.